The following is an entry in ClinVar:

NM_000352.6(ABCC8):c.1836_1838delinsATTTTAC (p.Leu614fs)

Gene: ABCC8 (ATP binding cassette subfamily C member 8; minus strand). Cytogenetic location: 11p15.1.
Variant type: Indel.
Coding change: c.1836_1838delinsATTTTAC on transcript NM_000352.6 (MANE Select); coding-DNA positions 1836 to 1838, GTT replaced by ATTTTAC.
Protein change: p.Leu614fs; shifts the reading frame from leucine 614.
Molecular consequence: frameshift variant. On other transcripts: non-coding transcript variant (1).
Genome position (GRCh38, 1-based): chr11:17,428,650-17,428,652, AAC replaced by GTAAAAT on the plus strand (GTT replaced by ATTTTAC on the coding strand, the reverse complement: ABCC8 is on the minus strand). VCF-style: chr11-17428650-AAC-GTAAAAT. GRCh37 (hg19) VCF-style: chr11-17450197-AAC-GTAAAAT.
Other names: c.1836_1838delinsATTTTAC, p.Leu614fs (NM_001287174.3, NM_001351295.2); c.1833_1835delinsATTTTAC, p.Leu613fs (NM_001351296.2, NM_001351297.2); short protein forms L613fs, L614fs.
Identifiers: ClinVar variation 5011733 (VCV005011733.1).

ClinVar aggregate classification (germline): Pathogenic (1 of 4 stars; one submission).

Conditions:
Hyperinsulinemic hypoglycemia, familial, 1 (HHF1). Also called: HYPERINSULINISM, FAMILIAL, WITH PANCREATIC NESIDIOBLASTOSIS; HYPOGLYCEMIA, HYPERINSULINEMIC, OF INFANCY; NESIDIOBLASTOSIS OF PANCREAS; Persistent Hyperinsulinemia Hypoglycemia of Infancy; Persistent hyperinsulinemic hypoglycemia of infancy. Identifiers: Orphanet 276575, Orphanet 276598, MedGen C2931832, MONDO:0009734, OMIM 256450.

Submission:

Myriad Genetics, Inc.
Classification: Pathogenic for Hyperinsulinemic hypoglycemia, familial, 1. Last evaluated: 2023-09-24. Review status: criteria provided, single submitter. Criteria: Myriad Autosomal Dominant, Autosomal Recessive and X-Linked Classification Criteria (2023). Collection method: clinical testing. Allele origin: unknown.
Comment: NM_000352.3(ABCC8):c.1836_1838del3ins7(L614Yfs*9) is expected to be pathogenic in the context of familial hyperinsulinism, ABCC8-related. This variant is predicted to lead to an abnormal or absent protein product due to the creation of a premature termination codon in ABCC8, a gene where loss-of-function variants are known to be pathogenic. Please note: this variant was assessed in the context of healthy population screening.